The following is an entry in ClinVar:

ClinVar aggregate classification (germline): Conflicting classifications of pathogenicity. Review status: criteria provided, conflicting classifications (1 of 4 stars). 4 submissions from 4 submitters: Uncertain significance (3); Likely benign (1). Last evaluated 2026-02-02.

Conditions:
Familial infantile myasthenia (CMS6). Also called: MYASTHENIC SYNDROME, CONGENITAL, 6, PRESYNAPTIC; MYASTHENIC SYNDROME, PRESYNAPTIC, CONGENITAL, ASSOCIATED WITH EPISODIC APNEA; Congenital myasthenic syndrome type 6. Identifiers: Orphanet 590, MedGen C0393929, MONDO:0009689, OMIM 254210.

Allele frequency attached by ClinVar (database versions not stated): 1000 Genomes Project 30x 0.00031; TOPMed 0.00033; ExAC 0.00034; gnomAD exomes 0.00034 and 0.00074; gnomAD 0.00037 and 0.00040; ESP Exome Variant Server 0.00038; 1000 Genomes Project 0.00040.
gnomAD v4.1: 1,124 of 1,614,188 alleles (0.07%); highest among the groups gnomAD compares: Non-Finnish European, 0.091%; no homozygotes.

Submissions (4):

Labcorp Genetics (formerly Invitae), Labcorp
Classification: Likely benign for Familial infantile myasthenia. Last evaluated: 2026-02-02. Review status: criteria provided, single submitter. Criteria: Invitae Variant Classification Sherloc (09022015). Collection method: clinical testing. Allele origin: germline.

GeneDx
Classification: Uncertain significance. Last evaluated: 2024-09-10. Review status: criteria provided, single submitter. Criteria: GeneDx Variant Classification Process June 2021. Collection method: clinical testing. Allele origin: germline. Affected: yes.
Comment: In silico analysis supports that this missense variant does not alter protein structure/function; Observed with a second CHAT pathogenic variant in 4 members of a family affected with arthrogryposis multiplex congenita; however segregation and pedigree data were not provided (PMID: 33820833); This variant is associated with the following publications: (PMID: 26080897, 33820833)

Revvity Omics, Revvity
Classification: Uncertain significance for Familial infantile myasthenia. Last evaluated: 2023-12-12. Review status: criteria provided, single submitter. Criteria: ACMG Guidelines, 2015. Collection method: clinical testing. Allele origin: germline.

Eurofins Ntd Llc (ga)
Classification: Uncertain significance. Last evaluated: 2015-01-28. Review status: criteria provided, single submitter. Criteria: EGL Classification Definitions 2015. Collection method: clinical testing. Allele origin: germline. Observed: 1 variant allele, 1 heterozygote.

NM_020549.5(CHAT):c.1883G>A (p.Arg628Gln)

Gene: CHAT (choline O-acetyltransferase; plus strand). Cytogenetic location: 10q11.23.
Variant type: single nucleotide variant.
Coding change: c.1883G>A on transcript NM_020549.5 (MANE Select); coding-DNA position 1883, G replaced by A.
Protein change: p.Arg628Gln; replaces arginine 628 with glutamine.
Molecular consequence: missense variant.
Genome position (GRCh38, 1-based): chr10:49,662,688, G>A. VCF-style: chr10-49662688-G-A. GRCh37 (hg19) VCF-style: chr10-50870734-G-A.
Other names: c.1529G>A, p.Arg510Gln (NM_001142929.2, NM_001142934.2, NM_020984.4 and 2 more transcripts); c.1637G>A, p.Arg546Gln (NM_001142933.2); short protein forms R510Q, R628Q, R546Q.
Identifiers: ClinVar variation 194422 (VCV000194422.19), dbSNP rs114545628, ClinGen allele CA240364.